The following is an entry in ClinVar:

NM_052947.4(ALPK2):c.3116G>A (p.Arg1039Lys)

Gene: ALPK2 (alpha kinase 2; minus strand). Cytogenetic location: 18q21.31.
Variant type: single nucleotide variant.
Coding change: c.3116G>A on transcript NM_052947.4 (MANE Select); coding-DNA position 3116, G replaced by A.
Protein change: p.Arg1039Lys; replaces arginine 1039 with lysine.
Molecular consequence: missense variant.
Genome position (GRCh38, 1-based): chr18:58,537,071, C>T on the plus strand (G>A on the coding strand, the complement: ALPK2 is on the minus strand). VCF-style: chr18-58537071-C-T. GRCh37 (hg19) VCF-style: chr18-56204303-C-T.
Other names: short protein forms R1039K.
Identifiers: ClinVar variation 2451100 (VCV002451100.2), dbSNP rs1453775606, ClinGen allele CA402569072.
Genomic context (GRCh38, chr18:58,537,071, plus strand): 5'-TGATCCAACTGCACTTGGGAAGGAAATTGGGAAACCTTTTCATGGGATGCACGAGGGAAC[C>T]TCTCCTCAGTGCCACCTGCATGCTTGTCCTCAGGAATTGACACAGCAAGGTATTTGGCTG-3'
Protein context (NP_443179.3, residues 1029-1049): EDKHAGGTEE[Arg1039Lys]FPRASHEKVS

ClinVar aggregate classification (germline): Uncertain significance (1 of 4 stars; one submission).

Submission:

Ambry Genetics
Classification: Uncertain significance. Last evaluated: 2022-11-17. Review status: criteria provided, single submitter. Criteria: Ambry Variant Classification Scheme 2023. Collection method: clinical testing. Allele origin: germline.
Comment: The p.R1039K variant (also known as c.3116G>A), located in coding exon 4 of the ALPK2 gene, results from a G to A substitution at nucleotide position 3116. The arginine at codon 1039 is replaced by lysine, an amino acid with highly similar properties. This amino acid position is conserved. In addition, this alteration is predicted to be tolerated by in silico analysis. Since supporting evidence is limited at this time, the clinical significance of this alteration remains unclear.